The following is an entry in ClinVar:

ClinVar aggregate classification (germline): Conflicting classifications of pathogenicity. Review status: criteria provided, conflicting classifications (1 of 4 stars). 8 submissions from 7 submitters: Likely pathogenic (2); Uncertain significance (6). Last evaluated 2026-01-12.

Conditions:
MYH7-related disorder. Also called: MYH7-related condition; MYH7-related disease; MYH7-related disorders.
Cardiovascular phenotype. Identifiers: MedGen CN230736.
Myosin storage myopathy (CMYO7A). Also called: MYOPATHY, HYALINE BODY, AUTOSOMAL DOMINANT; Scapuloperoneal myopathy, MYH7-related; MYH7-related late-onset scapuloperoneal muscular dystrophy; Congenital myopathy 7A, myosin storage, autosomal dominant; MYOPATHY WITH LYSIS OF TYPE I MYOFIBRILS; SCAPULOPERONEAL MUSCULAR DYSTROPHY. Identifiers: Orphanet 437572, Orphanet 636965, MedGen C1842160, MONDO:0008409, OMIM 608358.
Myopathy, myosin storage, autosomal recessive (CMYO7B). Also called: CONGENITAL MYOPATHY 7B, MYOSIN STORAGE, AUTOSOMAL RECESSIVE. Identifiers: Orphanet 636970, MedGen C1850709, MONDO:0009708, OMIM 255160.
Hypertrophic cardiomyopathy 1 (CMH1). Also called: Familial hypertrophic cardiomyopathy 1; MYH7-Related Familial Hypertrophic Cardiomyopathy. Identifiers: MedGen C3495498, MONDO:0008647, OMIM 192600.
MYH7-related skeletal myopathy. Also called: Myopathy, distal, 1; MYOPATHY, DISTAL, EARLY-ONSET, AUTOSOMAL DOMINANT; MYOPATHY, LATE DISTAL HEREDITARY; Laing distal myopathy; Laing early-onset distal myopathy. Identifiers: Orphanet 59135, MedGen C4552004, MONDO:0008050, OMIM 160500.
Dilated cardiomyopathy 1S (CMD1S). Identifiers: Orphanet 154, Orphanet 54260, MedGen C1834481, MONDO:0013262, OMIM 613426.
Hypertrophic cardiomyopathy. Also called: HYPERTROPHIC MYOCARDIOPATHY. Identifiers: Orphanet 217569, MedGen C0007194, MeSH D002312, MONDO:0005045, HP:0001639.

Allele frequency attached by ClinVar (database versions not stated): gnomAD exomes below 0.00001; TOPMed below 0.00001.
gnomAD v4.1: 3 of 1,613,492 alleles (0.00019%); highest among the groups gnomAD compares: Non-Finnish European, 0.00025%; no homozygotes.

Submissions (8):

Labcorp Genetics (formerly Invitae), Labcorp
Classification: Uncertain significance for Hypertrophic cardiomyopathy. Last evaluated: 2026-01-12. Review status: criteria provided, single submitter. Criteria: Invitae Variant Classification Sherloc (09022015). Collection method: clinical testing. Allele origin: germline.
Comment: This sequence change replaces arginine, which is basic and polar, with tryptophan, which is neutral and slightly polar, at codon 1382 of the MYH7 protein (p.Arg1382Trp). This variant is present in population databases (rs730880910, gnomAD 0.0009%). This missense change has been observed in individual(s) with hypertrophic cardiomyopathy (PMID: 12707239, 23283745, 27532257, 28138913, 37652022). ClinVar contains an entry for this variant (Variation ID: 181389). Invitae Evidence Modeling of protein sequence and biophysical properties (such as structural, functional, and spatial information, amino acid conservation, physicochemical variation, residue mobility, and thermodynamic stability) indicates that this missense variant is expected to disrupt MYH7 protein function with a positive predictive value of 95%. Experimental studies have shown that this missense change affects MYH7 function (PMID: 24047955). In summary, the available evidence is currently insufficient to determine the role of this variant in disease. Therefore, it has been classified as a Variant of Uncertain Significance.

GeneDx
Classification: Uncertain significance. Last evaluated: 2025-02-24. Review status: criteria provided, single submitter. Criteria: GeneDx Variant Classification Process June 2021. Collection method: clinical testing. Allele origin: germline. Affected: yes.
Comment: Identified in patients with HCM referred for genetic testing at GeneDx and in published literature (PMID: 37652022, 12707239, 23283745, 28138913, 27532257); Not observed at significant frequency in large population cohorts (gnomAD); In silico analysis supports that this missense variant has a deleterious effect on protein structure/function; This variant is associated with the following publications: (PMID: 28138913, 25961035, 12707239, 23283745, 24047955, 27532257, 25132132, 37652022, 34542152)

Ambry Genetics
Classification: Likely pathogenic for Cardiovascular phenotype. Last evaluated: 2024-12-05. Review status: criteria provided, single submitter. Criteria: Ambry Variant Classification Scheme 2023. Collection method: clinical testing. Allele origin: germline.
Comment: The p.R1382W variant (also known as c.4144C>T), located in coding exon 28 of the MYH7 gene, results from a C to T substitution at nucleotide position 4144. The arginine at codon 1382 is replaced by tryptophan, an amino acid with dissimilar properties. This alteration has been reported in multiple individuals with hypertrophic cardiomyopathy (HCM) (Richard P et al. Circulation, 2003 May;107:2227-32; Wolny M et al. J. Biol. Chem., 2013 Nov;288:31952-62; Zou Y et al. Mol. Biol. Rep., 2013 Jun;40:3969-76; Alejandra Restrepo-Cordoba M et al. J Cardiovasc Transl Res, 2017 Feb;10:35-46; Walsh R et al. Genet. Med., 2017 02;19:192-203; Ambry internal data; GeneDx pers. comm.). Another variant at the same codon, p.R1382Q (c.4145G>A), has been identified in individual(s) with features consistent with HCM (Zou Y et al. Mol. Biol. Rep., 2013 Jun;40:3969-76). This amino acid position is highly conserved in available vertebrate species. In addition, this alteration is predicted to be deleterious by in silico analysis. This variant is considered to be rare based on population cohorts in the Genome Aggregation Database (gnomAD). Based on the majority of available evidence to date, this variant is likely to be pathogenic.

Fulgent Genetics
Classification: Uncertain significance for MYH7-related skeletal myopathy; Hypertrophic cardiomyopathy 1; Myopathy, myosin storage, autosomal recessive; Myosin storage myopathy; Dilated cardiomyopathy 1S. Last evaluated: 2024-03-21. Review status: criteria provided, single submitter. Criteria: ACMG Guidelines, 2015. Collection method: clinical testing. Allele origin: germline.

Women's Health and Genetics/Laboratory Corporation of America, LabCorp
Classification: Uncertain significance. Last evaluated: 2023-11-29. Review status: criteria provided, single submitter. Criteria: LabCorp Variant Classification Summary - May 2015. Collection method: clinical testing. Allele origin: germline.
Comment: Variant summary: MYH7 c.4144C>T (p.Arg1382Trp) results in a non-conservative amino acid change located in the myosin tail domain (IPR002928) of the encoded protein sequence. Five of five in-silico tools predict a damaging effect of the variant on protein function. The variant allele was found at a frequency of 4e-06 in 251466 control chromosomes (gnomAD). The available data on variant occurrences in the general population are insufficient to allow any conclusion about variant significance. c.4144C>T has been reported in the literature in individuals affected with Hypertrophic Cardiomyopathy (e.g. Richard_2003, Zou_2013, Wang_2014, Walsh_2017), including at least one case where it was reported to segregate with the disease phenotype, although further details were not provided (Restrepo-Cordoba_2017). It has also been reported in one individual without a clinical diagnosis of HCM, however they were from a biobank cohort and not specifically evaluated for clinical features of HCM (Park_2021). These data do not allow any conclusion about variant significance. One publication reports experimental evidence evaluating an impact on protein function and did not find any damaging effect of the variant on ability to incorporate into muscle sarcomeres in vivo or any differences in contractile properties versus the wild type (Wolny_2013); however, in these experiments the variant was expressed at only 10% of endogenous myosin, which could be responsible for a lack of a functional effect. Therefore, this study does not necessarily allow convincing conclusions about the effect of the variant on protein function. The following publications have been ascertained in the context of this evaluation (PMID: 34542152, 28138913, 12707239, 27532257, 25132132, 24047955, 23283745). Four submitters have cited clinical-significance assessments for this variant to ClinVar after 2014. Three submitters classified the variant as uncertain significance and one (citing internal data) classified it as likely pathogenic. Based on the evidence outlined above, the variant was classified as uncertain significance.

Blueprint Genetics
Classification: Likely pathogenic for MYH7-related disorders. Last evaluated: 2023-06-16. Review status: criteria provided, single submitter. Criteria: ACMG Guidelines, 2015. Collection method: clinical testing. Allele origin: germline. Affected: yes. Observed: 4 variant alleles.

Illumina Laboratory Services, Illumina
Classification: Uncertain significance for Dilated cardiomyopathy 1S. Last evaluated: 2017-04-27. Review status: criteria provided, single submitter. Criteria: ICSL Variant Classification Criteria 13 December 2019. Collection method: clinical testing. Allele origin: germline.
Comment: This variant was observed as part of a predisposition screen in an ostensibly healthy population. A literature search was performed for the gene, cDNA change, and amino acid change (where applicable). Publications were found based on this search. However, the evidence from the literature, in combination with allele frequency data from public databases where available, was not sufficient to rule this variant in or out of causing disease. Therefore, this variant is classified as a variant of unknown significance.

Illumina Laboratory Services, Illumina
Classification: Uncertain significance for Myosin storage myopathy. Last evaluated: 2017-04-27. Review status: criteria provided, single submitter. Criteria: ICSL Variant Classification Criteria 13 December 2019. Collection method: clinical testing. Allele origin: germline.
Comment: the same text as in the submission from Illumina Laboratory Services, Illumina above.

Literature cited by the submitters: PubMed 12707239 (cited by 4 submitters); PubMed 23283745 (cited by 4 submitters); PubMed 27532257 (cited by 3 submitters); PubMed 28138913 (cited by 4 submitters); PubMed 37652022 (cited by Labcorp Genetics (formerly Invitae), Labcorp); PubMed 24047955 (cited by 4 submitters); PubMed 25132132 (cited by Ambry Genetics and Women's Health and Genetics/Laboratory Corporation of America, LabCorp); PubMed 34542152 (cited by Women's Health and Genetics/Laboratory Corporation of America, LabCorp).

NM_000257.4(MYH7):c.4144C>T (p.Arg1382Trp)

Gene: MYH7 (myosin heavy chain 7; minus strand). Cytogenetic location: 14q11.2.
Variant type: single nucleotide variant.
Coding change: c.4144C>T on transcript NM_000257.4 (MANE Select); coding-DNA position 4144, C replaced by T.
Protein change: p.Arg1382Trp; replaces arginine 1382 with tryptophan.
Molecular consequence: missense variant.
Genome position (GRCh38, 1-based): chr14:23,418,235, G>A on the plus strand (C>T on the coding strand, the complement: MYH7 is on the minus strand). VCF-style: chr14-23418235-G-A. GRCh37 (hg19) VCF-style: chr14-23887444-G-A.
Other names: p.R1382W:CGG>TGG; c.4144C>T (LRG_384t1); short protein forms R1382W.
Identifiers: ClinVar variation 181389 (VCV000181389.20), dbSNP rs730880910, ClinGen allele CA014527.
Genomic context (GRCh38, chr14:23,418,235, plus strand): 5'-GGCCTCAGCCAGAAGTCAGGCTGCTCAGAACTCACTTGGCCTCCTCGAGCTCCTCAGTCC[G>A]CTGAATGGCGTCCGTCTCATACTTGGTCCTCCACTGGGCCACCTCCGAGTTGGCCTTGGA-3'
Protein context (NP_000248.2, residues 1372-1392): RTKYETDAIQ[Arg1382Trp]TEELEEAKKK